The following is an entry in ClinVar:

NM_004859.4(CLTC):c.4457C>T (p.Ala1486Val)

Genes: CLTC (clathrin heavy chain; plus strand), LOC125177523 (Sharpr-MPRA regulatory region 12460; plus strand). Cytogenetic location: 17q23.1.
Variant type: single nucleotide variant.
Coding change: c.4457C>T on transcript NM_004859.4 (MANE Select); coding-DNA position 4457, C replaced by T.
Protein change: p.Ala1486Val; replaces alanine 1486 with valine.
Molecular consequence: missense variant.
Genome position (GRCh38, 1-based): chr17:59,685,078, C>T. VCF-style: chr17-59685078-C-T. GRCh37 (hg19) VCF-style: chr17-57762439-C-T.
Other names: c.4469C>T, p.Ala1490Val (NM_001288653.2); short protein forms A1486V, A1490V.
Identifiers: ClinVar variation 1493119 (VCV001493119.8), dbSNP rs2143600622, ClinGen allele CA400421684.

ClinVar aggregate classification (germline): Uncertain significance (1 of 4 stars; one submission).

Submission:

Labcorp Genetics (formerly Invitae), Labcorp
Classification: Uncertain significance. Last evaluated: 2022-02-10. Review status: criteria provided, single submitter. Criteria: Invitae Variant Classification Sherloc (09022015). Collection method: clinical testing. Allele origin: germline.
Comment: This variant has not been reported in the literature in individuals affected with CLTC-related conditions. In summary, the available evidence is currently insufficient to determine the role of this variant in disease. Therefore, it has been classified as a Variant of Uncertain Significance. Algorithms developed to predict the effect of missense changes on protein structure and function are either unavailable or do not agree on the potential impact of this missense change (SIFT: "Deleterious"; PolyPhen-2: "Not Available"; Align-GVGD: "Class C0"). This variant is not present in population databases (gnomAD no frequency). This sequence change replaces alanine, which is neutral and non-polar, with valine, which is neutral and non-polar, at codon 1490 of the CLTC protein (p.Ala1490Val).